The following is an entry in ClinVar:

NM_014244.5(ADAMTS2):c.721C>T (p.Arg241Cys)

Gene: ADAMTS2 (ADAM metallopeptidase with thrombospondin type 1 motif 2; minus strand). Cytogenetic location: 5q35.3.
Variant type: single nucleotide variant.
Coding change: c.721C>T on transcript NM_014244.5 (MANE Select); coding-DNA position 721, C replaced by T.
Protein change: p.Arg241Cys; replaces arginine 241 with cysteine.
Molecular consequence: missense variant.
Genome position (GRCh38, 1-based): chr5:179,207,683, G>A on the plus strand (C>T on the coding strand, the complement: ADAMTS2 is on the minus strand). VCF-style: chr5-179207683-G-A. GRCh37 (hg19) VCF-style: chr5-178634684-G-A.
Other names: c.721C>T, p.Arg241Cys (NM_021599.4); short protein forms R241C.
Identifiers: ClinVar variation 971536 (VCV000971536.8), dbSNP rs140045997, ClinGen allele CA3596193.

ClinVar aggregate classification (germline): Uncertain significance. Review status: criteria provided, multiple submitters, no conflicts (2 of 4 stars). 4 submissions from 4 submitters: Uncertain significance (3). 1 of the submissions does not count toward it. Last evaluated 2026-06-15.

Conditions:
Ehlers-Danlos syndrome, dermatosparaxis type. Also called: EDS VIIC; Ehlers-Danlos syndrome, type VII, autosomal recessive; Dermatosparaxis. Identifiers: Orphanet 1901, MedGen C2700425, MONDO:0009161, OMIM 225410.

Allele frequency attached by ClinVar (database versions not stated): TOPMed 0.00006; ESP Exome Variant Server 0.00015; ExAC 0.00002; gnomAD exomes 0.00003; gnomAD 0.00005.

Submissions (4):

Women's Health and Genetics/Laboratory Corporation of America, LabCorp
Classification: Uncertain significance. Last evaluated: 2026-06-15. Review status: criteria provided, single submitter. Criteria: LabCorp Variant Classification Summary - May 2015. Collection method: clinical testing. Allele origin: germline.
Comment: Variant summary: ADAMTS2 c.721C>T (p.Arg241Cys) results in a non-conservative amino acid change in the encoded protein sequence. Algorithms developed to predict the effect of missense changes on protein structure and function are either unavailable or do not agree on the potential impact of this missense change. The variant allele was found at a frequency of 2.8e-05 in 250436 control chromosomes. The available data on variant occurrences in the general population are insufficient to allow any conclusion about variant significance. To our knowledge, no occurrence of c.721C>T in individuals affected with ADAMTS2-related conditions and no experimental evidence demonstrating its impact on protein function have been reported. ClinVar contains an entry for this variant (Variation ID: 971536). Based on the evidence outlined above, the variant was classified as uncertain significance.

Clinical Genetics Laboratory, Skane University Hospital Lund
Classification: Uncertain significance. Last evaluated: 2023-11-10. Review status: criteria provided, single submitter. Criteria: ACMG Guidelines, 2015. Collection method: clinical testing. Allele origin: germline. Affected: yes.

Labcorp Genetics (formerly Invitae), Labcorp
Classification: Uncertain significance for Ehlers-Danlos syndrome, dermatosparaxis type. Last evaluated: 2022-10-26. Review status: criteria provided, single submitter. Criteria: Invitae Variant Classification Sherloc (09022015). Collection method: clinical testing. Allele origin: germline.
Comment: This sequence change replaces arginine, which is basic and polar, with cysteine, which is neutral and slightly polar, at codon 241 of the ADAMTS2 protein (p.Arg241Cys). This variant is present in population databases (rs140045997, gnomAD 0.006%). This variant has not been reported in the literature in individuals affected with ADAMTS2-related conditions. ClinVar contains an entry for this variant (Variation ID: 971536). Algorithms developed to predict the effect of missense changes on protein structure and function are either unavailable or do not agree on the potential impact of this missense change (SIFT: "Deleterious"; PolyPhen-2: "Possibly Damaging"; Align-GVGD: "Class C15"). In summary, the available evidence is currently insufficient to determine the role of this variant in disease. Therefore, it has been classified as a Variant of Uncertain Significance.

Natera, Inc.
Classification: Uncertain significance for Ehlers-Danlos syndrome type VIIC. Last evaluated: 2020-02-06. Review status: no assertion criteria provided. Collection method: clinical testing. Allele origin: germline. Not counted in ClinVar's aggregate classification.